The following is an entry in ClinVar:

ClinVar aggregate classification (germline): Likely benign. Review status: criteria provided, multiple submitters, no conflicts (2 of 4 stars). 2 submissions from 2 submitters: Likely benign (2). Last evaluated 2024-12-01.

gnomAD v4.1: 84 of 1,613,990 alleles (0.0052%); highest among the groups gnomAD compares: Middle Eastern, 0.016%; no homozygotes.

Submissions (2):

CeGaT Center for Human Genetics Tuebingen
Classification: Likely benign. Last evaluated: 2024-12-01. Review status: criteria provided, single submitter. Criteria: CeGaT Center For Human Genetics Tuebingen Variant Classification Criteria Version 2. Collection method: clinical testing. Allele origin: germline. Affected: yes. Observed: 1 variant allele.
Comment: HSPA9: BP4, BP7

Blueprint Genetics
Classification: Likely benign. Last evaluated: 2024-09-13. Review status: criteria provided, single submitter. Criteria: ACMG Guidelines, 2015. Collection method: clinical testing. Allele origin: germline.

NM_004134.7(HSPA9):c.939A>G (p.Glu313=)

Gene: HSPA9 (heat shock protein family A (Hsp70) member 9; minus strand). Cytogenetic location: 5q31.2.
Variant type: single nucleotide variant.
Coding change: c.939A>G on transcript NM_004134.7 (MANE Select); coding-DNA position 939, A replaced by G.
Protein change: p.Glu313=; no amino-acid change (glutamic acid 313 retained).
Molecular consequence: synonymous variant.
Genome position (GRCh38, 1-based): chr5:138,566,659, T>C on the plus strand (A>G on the coding strand, the complement: HSPA9 is on the minus strand). VCF-style: chr5-138566659-T-C. GRCh37 (hg19) VCF-style: chr5-137902348-T-C.
Identifiers: ClinVar variation 3771332 (VCV003771332.14).
Genomic context (GRCh38, chr5:138,566,659, plus strand): 5'-AGACTGCTCGAATTTTCCGTGTCTCACCTGCACAGATGAGGAGAGTTCACATTTAGCCTT[T>C]TCAGCAGCTTCCCGTACCCTCTGAAGTGCCATGTTGTCTTTAGTCAAATCAACCCCTGTC-3'
Protein context (NP_004125.3, residues 303-323): MALQRVREAA[Glu313=]KAKCELSSSV